The following is an entry in ClinVar:

NM_176824.3(BBS7):c.974A>G (p.Glu325Gly)

Gene: BBS7 (Bardet-Biedl syndrome 7; minus strand). Cytogenetic location: 4q27.
Variant type: single nucleotide variant.
Coding change: c.974A>G on transcript NM_176824.3 (MANE Select); coding-DNA position 974, A replaced by G.
Protein change: p.Glu325Gly; replaces glutamic acid 325 with glycine.
Molecular consequence: missense variant.
Genome position (GRCh38, 1-based): chr4:121,847,467, T>C on the plus strand (A>G on the coding strand, the complement: BBS7 is on the minus strand). VCF-style: chr4-121847467-T-C. GRCh37 (hg19) VCF-style: chr4-122768622-T-C.
Other names: c.974A>G, p.Glu325Gly (NM_018190.4); c.974A>G (NM_176824.2); short protein forms E325G.
Identifiers: ClinVar variation 1409493 (VCV001409493.7), dbSNP rs1255872676, ClinGen allele CA358063211.

ClinVar aggregate classification (germline): Uncertain significance. Review status: criteria provided, multiple submitters, no conflicts (2 of 4 stars). 2 submissions from 2 submitters: Uncertain significance (2). Last evaluated 2026-08-03.

Conditions:
BBS7-related disorder. Also called: BBS7-related condition.
Bardet-Biedl syndrome (BBS). Identifiers: Orphanet 110, MedGen C0752166, MONDO:0015229.

Allele frequency attached by ClinVar (database versions not stated): gnomAD exomes below 0.00001; TOPMed 0.00002; gnomAD 0.00004.
gnomAD v4.1: 10 of 1,613,714 alleles (0.00062%); highest among the groups gnomAD compares: African/African-American, 0.012%; no homozygotes.

Submissions (2):

PreventionGenetics, part of Exact Sciences
Classification: Uncertain significance for BBS7-related condition. Last evaluated: 2026-08-03. Review status: criteria provided, single submitter. Criteria: ACMG Guidelines, 2015. Collection method: clinical testing. Allele origin: germline.
Comment: The BBS7 c.974A>G variant is predicted to result in the amino acid substitution p.Glu325Gly. To our knowledge, this variant has not been reported in the literature. This variant is reported in 0.046% of alleles in individuals of African descent in gnomAD. At this time, the clinical significance of this variant is uncertain due to the absence of conclusive functional and genetic evidence.

Labcorp Genetics (formerly Invitae), Labcorp
Classification: Uncertain significance for Bardet-Biedl syndrome. Last evaluated: 2024-04-16. Review status: criteria provided, single submitter. Criteria: Invitae Variant Classification Sherloc (09022015). Collection method: clinical testing. Allele origin: germline.
Comment: This sequence change replaces glutamic acid, which is acidic and polar, with glycine, which is neutral and non-polar, at codon 325 of the BBS7 protein (p.Glu325Gly). This variant is present in population databases (no rsID available, gnomAD 0.02%). This variant has not been reported in the literature in individuals affected with BBS7-related conditions. ClinVar contains an entry for this variant (Variation ID: 1409493). Advanced modeling of protein sequence and biophysical properties (such as structural, functional, and spatial information, amino acid conservation, physicochemical variation, residue mobility, and thermodynamic stability) performed at Invitae indicates that this missense variant is not expected to disrupt BBS7 protein function with a negative predictive value of 80%. In summary, the available evidence is currently insufficient to determine the role of this variant in disease. Therefore, it has been classified as a Variant of Uncertain Significance.